The following is an entry in ClinVar:

ClinVar aggregate classification (germline): Conflicting classifications of pathogenicity. Review status: criteria provided, conflicting classifications (1 of 4 stars). 7 submissions from 7 submitters: Uncertain significance (5); Likely benign (1). 1 of the submissions does not count toward it. Last evaluated 2025-08-01.

Conditions:
PEX14-related disorder. Also called: PEX14-related condition.
Peroxisome biogenesis disorder, complementation group K (CGK). Identifiers: MedGen C1866257, MONDO:0800365.
Inborn genetic diseases. Identifiers: MedGen C0950123, MeSH D030342.
Peroxisome biogenesis disorder 13A (Zellweger). Also called: Peroxisome biogenesis disorder 13A. Identifiers: Orphanet 912, MedGen C3554004, MONDO:0013952, OMIM 614887.

Allele frequency attached by ClinVar (database versions not stated): TOPMed 0.00054; 1000 Genomes Project 30x 0.00031; 1000 Genomes Project 0.00040; ESP Exome Variant Server 0.00015; gnomAD 0.00057.
gnomAD v4.1: 1,150 of 1,612,520 alleles (0.071%); highest among the groups gnomAD compares: Middle Eastern, 0.12%; no homozygotes.

Submissions (7):

Ambry Genetics
Classification: Uncertain significance for Inborn genetic diseases. Last evaluated: 2025-08-01. Review status: criteria provided, single submitter. Criteria: Ambry Variant Classification Scheme 2023. Collection method: clinical testing. Allele origin: germline.

Blueprint Genetics
Classification: Likely benign. Last evaluated: 2024-11-26. Review status: criteria provided, single submitter. Criteria: ACMG Guidelines, 2015. Collection method: clinical testing. Allele origin: germline.

Labcorp Genetics (formerly Invitae), Labcorp
Classification: Uncertain significance for Peroxisome biogenesis disorder, complementation group K. Last evaluated: 2024-01-22. Review status: criteria provided, single submitter. Criteria: Invitae Variant Classification Sherloc (09022015). Collection method: clinical testing. Allele origin: germline.
Comment: This sequence change replaces serine, which is neutral and polar, with arginine, which is basic and polar, at codon 158 of the PEX14 protein (p.Ser158Arg). This variant is present in population databases (rs145867351, gnomAD 0.09%), and has an allele count higher than expected for a pathogenic variant. This variant has not been reported in the literature in individuals affected with PEX14-related conditions. ClinVar contains an entry for this variant (Variation ID: 95146). Advanced modeling of protein sequence and biophysical properties (such as structural, functional, and spatial information, amino acid conservation, physicochemical variation, residue mobility, and thermodynamic stability) performed at Invitae indicates that this missense variant is not expected to disrupt PEX14 protein function with a negative predictive value of 80%. In summary, the available evidence is currently insufficient to determine the role of this variant in disease. Therefore, it has been classified as a Variant of Uncertain Significance.

Mayo Clinic Laboratories, Mayo Clinic
Classification: Uncertain significance. Last evaluated: 2022-07-08. Review status: criteria provided, single submitter. Criteria: ACMG Guidelines, 2015. Collection method: clinical testing. Allele origin: germline. Observed: 1 variant allele.
Comment: BP4, PM2_moderate

Eurofins Ntd Llc (ga)
Classification: Uncertain significance. Last evaluated: 2017-10-26. Review status: criteria provided, single submitter. Criteria: EGL Classification Definitions 2015. Collection method: clinical testing. Allele origin: germline. Observed: 3 variant alleles, 3 heterozygotes.

Illumina Laboratory Services, Illumina
Classification: Uncertain significance for Peroxisome biogenesis disorder 13A (Zellweger). Last evaluated: 2017-04-27. Review status: criteria provided, single submitter. Criteria: ICSL Variant Classification Criteria 13 December 2019. Collection method: clinical testing. Allele origin: germline.

PreventionGenetics, part of Exact Sciences
Classification: Uncertain significance for PEX14-related condition. Last evaluated: 2024-04-03. Review status: no assertion criteria provided. Collection method: clinical testing. Allele origin: germline. Not counted in ClinVar's aggregate classification.
Comment: The PEX14 c.474C>A variant is predicted to result in the amino acid substitution p.Ser158Arg. To our knowledge, this variant has not been reported in the literature. This variant is reported in 0.091% of alleles in individuals of Latino descent in gnomAD. Although we suspect that this variant may be benign, at this time, the clinical significance of this variant is uncertain due to the absence of conclusive functional and genetic evidence.

NM_004565.3(PEX14):c.474C>A (p.Ser158Arg)

Gene: PEX14 (peroxisomal biogenesis factor 14; plus strand). Cytogenetic location: 1p36.22.
Variant type: single nucleotide variant.
Coding change: c.474C>A on transcript NM_004565.3 (MANE Select); coding-DNA position 474, C replaced by A.
Protein change: p.Ser158Arg; replaces serine 158 with arginine.
Molecular consequence: missense variant.
Genome position (GRCh38, 1-based): chr1:10,623,108, C>A. VCF-style: chr1-10623108-C-A. GRCh37 (hg19) VCF-style: chr1-10683165-C-A.
Other names: short protein forms S158R.
Identifiers: ClinVar variation 95146 (VCV000095146.20), dbSNP rs145867351, ClinGen allele CA222779.
Genomic context (GRCh38, chr1:10,623,108, plus strand): 5'-CCGAGAGGACAGAAAGCAGCTGGAGAGGATGGAGGCCGGTCTCTCTGAGCTGAGTGGCAG[C>A]GTGGCCCAGACAGGTAAAGATTAATGACTCCATCAAGTCACCCCTCACAGCCTTCTCCAA-3'
Protein context (NP_004556.1, residues 148-168): MEAGLSELSG[Ser158Arg]VAQTVTQLQT